The following is an entry in ClinVar:

NM_002087.4(GRN):c.530_543del (p.Arg177fs)

Gene: GRN (granulin precursor; plus strand). Cytogenetic location: 17q21.31.
Variant type: Deletion.
Coding change: c.530_543del on transcript NM_002087.4 (MANE Select); coding-DNA positions 530 to 543, 14 bases deleted (GCTGCATCACACCC).
Protein change: p.Arg177fs; shifts the reading frame from arginine 177.
Molecular consequence: frameshift variant.
Genome position (GRCh38, 1-based): chr17:44,350,509-44,350,522, GCTGCATCACACCC deleted; deleting any 14 consecutive bases within chr17:44,350,501-44,350,522 gives the same sequence; the c. name uses the placement nearest the transcript's 3' end. VCF-style (leftmost placement, unchanged base first): chr17-44350500-TTCACACCCGCTGCA-T. GRCh37 (hg19) VCF-style: chr17-42427868-TTCACACCCGCTGCA-T.
Other names: c.530_543delGCTGCATCACACCC, p.Arg177Hisfs (NM_002087.2); short protein forms R177fs.
Identifiers: ClinVar variation 2430617 (VCV002430617.2), dbSNP rs2510055662, ClinGen allele CA2580093889.

ClinVar aggregate classification (germline): Pathogenic (1 of 4 stars; one submission).

Submission:

GeneDx
Classification: Pathogenic. Last evaluated: 2026-07-06. Review status: criteria provided, single submitter. Criteria: GeneDx Variant Classification Process June 2021. Collection method: clinical testing. Allele origin: germline.
Comment: Frameshift variant predicted to result in protein truncation or nonsense mediated decay in a gene for which loss of function is a known mechanism of disease; Not observed at significant frequency in large population cohorts (gnomAD); Has not been previously published as pathogenic or benign to our knowledge